The following is an entry in ClinVar:

ClinVar aggregate classification (germline): Uncertain significance (1 of 4 stars; one submission).

Conditions:
Inborn genetic diseases. Identifiers: MedGen C0950123, MeSH D030342.

gnomAD v4.1: 1 of 1,614,114 alleles (0.000062%); highest among the groups gnomAD compares: Non-Finnish European, 0.000085%; no homozygotes.

Submission:

Ambry Genetics
Classification: Uncertain significance for Inborn genetic diseases. Last evaluated: 2026-06-24. Review status: criteria provided, single submitter. Criteria: Ambry Variant Classification Scheme 2023. Collection method: clinical testing. Allele origin: germline.
Comment: The c.1230G>T variant (also known as p.Q410H), located in coding exon 11 of the DDX41 gene, results from a G to T substitution at nucleotide position 1230. The amino acid change results in glutamine to histidine at codon 410, an amino acid with highly similar properties. However, this change occurs in the last base pair of coding exon 11, which makes it likely to have some effect on normal mRNA splicing. This nucleotide position is highly conserved in available vertebrate species. In silico splice site analysis predicts that this alteration will weaken the native splice donor site and may result in the creation or strengthening of a novel splice donor site; however, direct evidence is insufficient at this time (Ambry internal data). This amino acid position is highly conserved in available vertebrate species. In addition, this alteration is predicted to be deleterious by in silico analysis. Based on the available evidence, the clinical significance of this variant remains unclear.

NM_016222.4(DDX41):c.1230G>T (p.Gln410His)

Gene: DDX41 (DEAD-box helicase 41; minus strand). Cytogenetic location: 5q35.3.
Variant type: single nucleotide variant.
Coding change: c.1230G>T on transcript NM_016222.4 (MANE Select); coding-DNA position 1230, G replaced by T.
Protein change: p.Gln410His; replaces glutamine 410 with histidine.
Molecular consequence: missense variant.
Genome position (GRCh38, 1-based): chr5:177,513,353, C>A on the plus strand (G>T on the coding strand, the complement: DDX41 is on the minus strand). VCF-style: chr5-177513353-C-A. GRCh37 (hg19) VCF-style: chr5-176940354-C-A.
Other names: c.852G>T, p.Gln284His (NM_001321732.2, NM_001321830.2); short protein forms Q410H, Q284H.
Identifiers: ClinVar variation 5035134 (VCV005035134.1).